The following is an entry in ClinVar:

ClinVar aggregate classification (germline): Pathogenic/Likely pathogenic. Review status: criteria provided, multiple submitters, no conflicts (2 of 4 stars). 3 submissions from 3 submitters: Pathogenic (2); Likely pathogenic (1). Last evaluated 2025-06-10.

Conditions:
Cerebral arteriopathy, autosomal dominant, with subcortical infarcts and leukoencephalopathy, type 1 (CADASIL1). Also called: DEMENTIA, HEREDITARY MULTIINFARCT TYPE; CASIL; Cerebral arteriopathy with subcortical infarcts and leukoencephalopathy 1; CADASIL 1. Identifiers: Orphanet 136, MedGen C4551768, MONDO:0000914, OMIM 125310.

Submissions (3):

Women's Health and Genetics/Laboratory Corporation of America, LabCorp
Classification: Likely pathogenic for Cerebral arteriopathy, autosomal dominant, with subcortical infarcts and leukoencephalopathy, type 1. Last evaluated: 2025-06-10. Review status: criteria provided, single submitter. Criteria: LabCorp Variant Classification Summary - May 2015. Collection method: clinical testing. Allele origin: germline.
Comment: Variant summary: NOTCH3 c.128G>A (p.Cys43Tyr) results in a non-conservative amino acid change in the encoded protein sequence. Algorithms developed to predict the effect of missense changes on protein structure and function all suggest that this variant is likely to be disruptive. The frequency data for this variant in gnomAD is considered unreliable, as metrics indicate poor data quality at this position. c.128G>A has been observed in individuals affected with Cerebral arteriopathy, autosomal dominant, with subcortical infarcts and leukoencephalopathy, type 1 (Chen_2017, Guo_2024, Labcorp (formerly Invitae)). These data indicate that the variant is likely to be associated with disease. To our knowledge, no experimental evidence demonstrating an impact on protein function has been reported. The following publications have been ascertained in the context of this evaluation (PMID: 28710804, 39465783). ClinVar contains an entry for this variant (Variation ID: 447781). Based on the evidence outlined above, the variant was classified as likely pathogenic.

Athena Diagnostics
Classification: Pathogenic. Last evaluated: 2024-11-22. Review status: criteria provided, single submitter. Criteria: Athena Diagnostics Criteria. Collection method: clinical testing. Allele origin: unknown.
Comment: This variant alters a critical location within the protein, and is expected to severely affect function and cause disease. This variant has not been reported in large, multi-ethnic general populations. This variant has been identified in at least one individual with clinical features associated with CADASIL. Greater than 90% of NOTCH3 pathogenic variants associated with CADASIL involve the gain or loss of a cysteine residue within the epidermal growth factor (EGF)-like repeat domain (PMID: 32457593, 20301673).

Labcorp Genetics (formerly Invitae), Labcorp
Classification: Pathogenic. Last evaluated: 2024-05-06. Review status: criteria provided, single submitter. Criteria: Invitae Variant Classification Sherloc (09022015). Collection method: clinical testing. Allele origin: germline.
Comment: This sequence change replaces cysteine, which is neutral and slightly polar, with tyrosine, which is neutral and polar, at codon 43 of the NOTCH3 protein (p.Cys43Tyr). This variant is not present in population databases (gnomAD no frequency). This missense change has been observed in individuals with clinical features of NOTCH3-related conditions (PMID: 28710804; Invitae). ClinVar contains an entry for this variant (Variation ID: 447781). Advanced modeling of protein sequence and biophysical properties (such as structural, functional, and spatial information, amino acid conservation, physicochemical variation, residue mobility, and thermodynamic stability) performed at Invitae indicates that this missense variant is expected to disrupt NOTCH3 protein function with a positive predictive value of 95%. This variant disrupts the p.Cys43 amino acid residue in NOTCH3. Other variant(s) that disrupt this residue have been observed in individuals with NOTCH3-related conditions (PMID: 28867359), which suggests that this may be a clinically significant amino acid residue. For these reasons, this variant has been classified as Pathogenic.

Literature cited by the submitters: PubMed 28710804 (cited by 3 submitters); PubMed 39465783 (cited by Women's Health and Genetics/Laboratory Corporation of America, LabCorp); PubMed 28867359 (cited by Labcorp Genetics (formerly Invitae), Labcorp).

NM_000435.3(NOTCH3):c.128G>A (p.Cys43Tyr)

Gene: NOTCH3 (notch receptor 3; minus strand). Cytogenetic location: 19p13.12.
Variant type: single nucleotide variant.
Coding change: c.128G>A on transcript NM_000435.3 (MANE Select); coding-DNA position 128, G replaced by A.
Protein change: p.Cys43Tyr; replaces cysteine 43 with tyrosine.
Molecular consequence: missense variant.
Genome position (GRCh38, 1-based): chr19:15,197,569, C>T on the plus strand (G>A on the coding strand, the complement: NOTCH3 is on the minus strand). VCF-style: chr19-15197569-C-T. GRCh37 (hg19) VCF-style: chr19-15308380-C-T.
Other names: short protein forms C43Y.
Identifiers: ClinVar variation 447781 (VCV000447781.7), dbSNP rs1555730204, ClinGen allele CA404483448.
Genomic context (GRCh38, chr19:15,197,569, plus strand): 5'-GCCTCCCGGGAGGGCAGCTGGGTGCAACGACCTCCATTTGCACACGGGCTTCCGTCCAGG[C>T]AAGGGGGGGCTGTGTGGGGGTGAAGGAAGGTGGAGGATCAGCCAGGTGCCCAGGAACCCC-3'
Protein context (NP_000426.2, residues 33-53): LAGPGAAAPP[Cys43Tyr]LDGSPCANGG